The following is an entry in ClinVar:

NM_001353694.2(TIAM1):c.2030G>A (p.Arg677Lys)

Gene: TIAM1 (TIAM Rac1 associated GEF 1; minus strand). Cytogenetic location: 21q22.11.
Variant type: single nucleotide variant.
Coding change: c.2030G>A on transcript NM_001353694.2 (MANE Select); coding-DNA position 2030, G replaced by A.
Protein change: p.Arg677Lys; replaces arginine 677 with lysine.
Molecular consequence: missense variant.
Genome position (GRCh38, 1-based): chr21:31,217,665, C>T on the plus strand (G>A on the coding strand, the complement: TIAM1 is on the minus strand). VCF-style: chr21-31217665-C-T. GRCh37 (hg19) VCF-style: chr21-32589981-C-T.
Other names: c.2030G>A, p.Arg677Lys (NM_001353686.2, NM_001353687.2, NM_001353688.1 and 6 more transcripts); short protein forms R677K.
Identifiers: ClinVar variation 3365500 (VCV003365500.1).
Genomic context (GRCh38, chr21:31,217,665, plus strand): 5'-CACAGAGAAGAAAACCTGCTCCTTCGCTTGCTCGCGGATCTGGACATGGCCTGAGTACGT[C>T]TTCTCACTCCAGTTTCACCAGTGCGTGCTGCCACCTGAGGATGGCAAGGACAAGCAGCCA-3'
Protein context (NP_001340623.1, residues 667-687): AARTGETGVR[Arg677Lys]RTQAMSRSAS

ClinVar aggregate classification (germline): Uncertain significance (1 of 4 stars; one submission).

Submission:

GeneDx
Classification: Uncertain significance. Last evaluated: 2023-12-13. Review status: criteria provided, single submitter. Criteria: GeneDx Variant Classification Process June 2021. Collection method: clinical testing. Allele origin: germline. Affected: yes.
Comment: Not observed at significant frequency in large population cohorts (gnomAD); In silico analysis supports that this missense variant does not alter protein structure/function; Has not been previously published as pathogenic or benign to our knowledge